The following is an entry in ClinVar:

NM_001267550.2(TTN):c.76374A>T (p.Pro25458=)

Genes: TTN (titin; minus strand), TTN-AS1 (TTN antisense RNA 1; plus strand). Cytogenetic location: 2q31.2.
Variant type: single nucleotide variant.
Coding change: c.76374A>T on transcript NM_001267550.2 (MANE Select); coding-DNA position 76374, A replaced by T.
Protein change: p.Pro25458=; no amino-acid change (proline 25458 retained).
Molecular consequence: synonymous variant.
Genome position (GRCh38, 1-based): chr2:178,569,758, T>A on the plus strand (A>T on the coding strand, the complement: TTN is on the minus strand). VCF-style: chr2-178569758-T-A. GRCh37 (hg19) VCF-style: chr2-179434485-T-A.
Other names: c.71451A>T, p.Pro23817= (NM_001256850.1); c.49179A>T, p.Pro16393= (NM_003319.4); c.68670A>T, p.Pro22890= (NM_133378.4); c.49554A>T, p.Pro16518= (NM_133432.3); c.49755A>T, p.Pro16585= (NM_133437.4).
Identifiers: ClinVar variation 389761 (VCV000389761.13), dbSNP rs891629905, ClinGen allele CA16603879.

ClinVar aggregate classification (germline): Conflicting classifications of pathogenicity. Review status: criteria provided, conflicting classifications (1 of 4 stars). 4 submissions from 4 submitters: Uncertain significance (1); Likely benign (3). Last evaluated 2025-12-02.

Conditions:
Dilated cardiomyopathy 1G (CMD1G). Identifiers: Orphanet 154, MedGen C1858763, MONDO:0011400, OMIM 604145.
Autosomal recessive limb-girdle muscular dystrophy type 2J (LGMDR10). Also called: MUSCULAR DYSTROPHY, LIMB-GIRDLE, AUTOSOMAL RECESSIVE 10; Limb-girdle muscular dystrophy, type 2J. Identifiers: Orphanet 140922, MedGen C1837342, MONDO:0012127, OMIM 608807.
Cardiomyopathy (CMYO). Also called: Cardiomyopathies. Identifiers: Orphanet 167848, MedGen C0878544, MONDO:0004994, HP:0001638. Inheritance: Various modes of inheritance.
Cardiovascular phenotype. Identifiers: MedGen CN230736.

Allele frequency attached by ClinVar (database versions not stated): gnomAD exomes 0.00001.
gnomAD v4.1: 5 of 1,613,302 alleles (0.00031%); highest among the groups gnomAD compares: Middle Eastern, 0.033%; no homozygotes.

Submissions (4):

Labcorp Genetics (formerly Invitae), Labcorp
Classification: Likely benign for Dilated cardiomyopathy 1G; Autosomal recessive limb-girdle muscular dystrophy type 2J. Last evaluated: 2025-12-02. Review status: criteria provided, single submitter. Criteria: Invitae Variant Classification Sherloc (09022015). Collection method: clinical testing. Allele origin: germline.

CHEO Genetics Diagnostic Laboratory, Children's Hospital of Eastern Ontario
Classification: Uncertain significance for Cardiomyopathy. Last evaluated: 2022-10-27. Review status: criteria provided, single submitter. Criteria: ACMG Guidelines, 2015. Collection method: clinical testing. Allele origin: germline.

Ambry Genetics
Classification: Likely benign for Cardiovascular phenotype. Last evaluated: 2019-09-02. Review status: criteria provided, single submitter. Criteria: Ambry Variant Classification Scheme 2023. Collection method: clinical testing. Allele origin: germline.

GeneDx
Classification: Likely benign. Last evaluated: 2016-10-06. Review status: criteria provided, single submitter. Criteria: GeneDx Variant Classification (06012015). Collection method: clinical testing. Allele origin: germline. Affected: yes.
Comment: This variant is considered likely benign or benign based on one or more of the following criteria: it is a conservative change, it occurs at a poorly conserved position in the protein, it is predicted to be benign by multiple in silico algorithms, and/or has population frequency not consistent with disease.